The following is an entry in ClinVar:

ClinVar aggregate classification (germline): Pathogenic/Likely pathogenic. Review status: criteria provided, multiple submitters, no conflicts (2 of 4 stars). 2 submissions from 2 submitters: Pathogenic (1); Likely pathogenic (1). Last evaluated 2024-04-10.

Conditions:
Isolated cryptophthalmia. Also called: Cryptophthalmos, unilateral or bilateral, isolated; ANKYLOBLEPHARON, SIMPLE. Identifiers: Orphanet 91396, MedGen C1852453, MONDO:0007410, OMIM 123570.
Fraser syndrome 2 (FRASRS2). Identifiers: MedGen C4540036, MONDO:0054738, OMIM 617666.

Allele frequency attached by ClinVar (database versions not stated): ExAC 0.00001; gnomAD 0.00001; TOPMed 0.00001.

Submissions (2):

Fulgent Genetics
Classification: Likely pathogenic for Isolated cryptophthalmia; Fraser syndrome 2. Last evaluated: 2024-04-10. Review status: criteria provided, single submitter. Criteria: ACMG Guidelines, 2015. Collection method: clinical testing. Allele origin: germline.

Labcorp Genetics (formerly Invitae), Labcorp
Classification: Pathogenic. Last evaluated: 2024-01-28. Review status: criteria provided, single submitter. Criteria: Invitae Variant Classification Sherloc (09022015). Collection method: clinical testing. Allele origin: germline.
Comment: This sequence change creates a premature translational stop signal (p.Ala1996Leufs*50) in the FREM2 gene. It is expected to result in an absent or disrupted protein product. Loss-of-function variants in FREM2 are known to be pathogenic (PMID: 18203166, 26552811). This variant is present in population databases (rs746915794, gnomAD 0.0009%). This variant has not been reported in the literature in individuals affected with FREM2-related conditions. For these reasons, this variant has been classified as Pathogenic.

Literature cited by the submitters: PubMed 18203166 (cited by Labcorp Genetics (formerly Invitae), Labcorp); PubMed 26552811 (cited by Labcorp Genetics (formerly Invitae), Labcorp).

NM_207361.6(FREM2):c.5982del (p.Ala1996fs)

Gene: FREM2 (FRAS1 related extracellular matrix 2; plus strand). Cytogenetic location: 13q13.3.
Variant type: Deletion.
Coding change: c.5982del on transcript NM_207361.6 (MANE Select); coding-DNA position 5982, one base deleted (A; older notation c.5982delA).
Protein change: p.Ala1996fs; shifts the reading frame from alanine 1996.
Molecular consequence: frameshift variant.
Genome position (GRCh38, 1-based): chr13:38,784,771, A deleted. VCF-style (leftmost placement, unchanged base first): chr13-38784770-CA-C. GRCh37 (hg19) VCF-style: chr13-39358907-CA-C.
Other names: short protein forms A1996fs.
Identifiers: ClinVar variation 2784732 (VCV002784732.4), dbSNP rs746915794, ClinGen allele CA6955395.
Genomic context (GRCh38, chr13:38,784,770, plus strand): 5'-AGGAAACCTTCCATGTCCTTCTGAGCATGCCCATGGGGGGAAGAATCGGATCAGAGTTCC[CA>C]GGGGCTCAAGTTACAATCGTTCCTGACAAAGATGATGGTGAGTACTAATTTACTTGAAAA-3'